The following is an entry in ClinVar:

ClinVar aggregate classification (germline): Uncertain significance (1 of 4 stars; one submission).

Conditions:
Citrullinemia. Identifiers: Orphanet 187, MedGen C0175683, MONDO:0015991.

Submission:

Labcorp Genetics (formerly Invitae), Labcorp
Classification: Uncertain significance for Citrullinemia. Last evaluated: 2024-09-04. Review status: criteria provided, single submitter. Criteria: Invitae Variant Classification Sherloc (09022015). Collection method: clinical testing. Allele origin: germline.
Comment: This sequence change replaces phenylalanine, which is neutral and non-polar, with serine, which is neutral and polar, at codon 128 of the ASS1 protein (p.Phe128Ser). This variant is not present in population databases (gnomAD no frequency). This missense change has been observed in individual(s) with citrullinemia (internal data). Invitae Evidence Modeling of protein sequence and biophysical properties (such as structural, functional, and spatial information, amino acid conservation, physicochemical variation, residue mobility, and thermodynamic stability) indicates that this missense variant is expected to disrupt ASS1 protein function with a positive predictive value of 80%. In summary, the available evidence is currently insufficient to determine the role of this variant in disease. Therefore, it has been classified as a Variant of Uncertain Significance.

NM_054012.4(ASS1):c.383T>C (p.Phe128Ser)

Gene: ASS1 (argininosuccinate synthase 1; plus strand). Cytogenetic location: 9q34.11.
Variant type: single nucleotide variant.
Coding change: c.383T>C on transcript NM_054012.4 (MANE Select); coding-DNA position 383, T replaced by C.
Protein change: p.Phe128Ser; replaces phenylalanine 128 with serine.
Molecular consequence: missense variant.
Genome position (GRCh38, 1-based): chr9:130,464,130, T>C. VCF-style: chr9-130464130-T-C. GRCh37 (hg19) VCF-style: chr9-133339517-T-C.
Other names: c.383T>C, p.Phe128Ser (NM_000050.4); short protein forms F128S.
Identifiers: ClinVar variation 3667929 (VCV003667929.2).